The following is an entry in ClinVar:

NM_000290.4(PGAM2):c.673A>C (p.Lys225Gln)

Genes: DBNL (drebrin like; plus strand), PGAM2 (phosphoglycerate mutase 2; minus strand). Cytogenetic location: 7p13.
Variant type: single nucleotide variant.
Coding change: c.673A>C on transcript NM_000290.4 (MANE Select); coding-DNA position 673, A replaced by C.
Protein change: p.Lys225Gln; replaces lysine 225 with glutamine.
Molecular consequence: missense variant. On other transcripts: 3 prime UTR variant (6).
Genome position (GRCh38, 1-based): chr7:44,062,853, T>G on the plus strand (A>C on the coding strand, the complement: PGAM2 is on the minus strand). VCF-style: chr7-44062853-T-G. GRCh37 (hg19) VCF-style: chr7-44102452-T-G.
Other names: c.*1937T>G (NM_001014436.3, NM_001122956.2, NM_001284313.2 and 3 more transcripts); short protein forms K225Q.
Identifiers: ClinVar variation 2069168 (VCV002069168.4), dbSNP rs764304891, ClinGen allele CA4236499.
Genomic context (GRCh38, chr7:44,062,853, plus strand): 5'-CCTCCATGGCCTTCCGCACCGTTTCCTCATCACCCAGGAACTGCATGGGCTTGGTGGGCT[T>G]CAGCTCCTTGTTCAGCTCATACACAATGGGGATCCCCGTGGGCAGGTTCAGCTCCATGAT-3'
Protein context (NP_000281.2, residues 215-235): PIVYELNKEL[Lys225Gln]PTKPMQFLGD

ClinVar aggregate classification (germline): Uncertain significance. Review status: criteria provided, multiple submitters, no conflicts (2 of 4 stars). 3 submissions from 3 submitters: Uncertain significance (3). Last evaluated 2025-09-04.

Conditions:
Inborn genetic diseases. Identifiers: MedGen C0950123, MeSH D030342.
Glycogen storage disease type X (GSD10). Also called: GSD X; MYOPATHY DUE TO PHOSPHOGLYCERATE MUTASE DEFICIENCY; Glycogen storage disease due to phosphoglycerate mutase deficiency; PGAMM DEFICIENCY; PHOSPHOGLYCERATE MUTASE, MUSCLE, DEFICIENCY OF; Dimauro disease. Identifiers: Orphanet 97234, MedGen C0268149, MONDO:0009865, OMIM 261670.

Allele frequency attached by ClinVar (database versions not stated): gnomAD 0.00001; gnomAD exomes 0.00001; ExAC 0.00003; TOPMed 0.00003.
gnomAD v4.1: 16 of 1,614,100 alleles (0.00099%); highest among the groups gnomAD compares: Admixed American, 0.023%; no homozygotes.

Submissions (3):

Women's Health and Genetics/Laboratory Corporation of America, LabCorp
Classification: Uncertain significance. Last evaluated: 2025-09-04. Review status: criteria provided, single submitter. Criteria: LabCorp Variant Classification Summary - May 2015. Collection method: clinical testing. Allele origin: germline.
Comment: Variant summary: PGAM2 c.673A>C (p.Lys225Gln) results in a conservative amino acid change in the encoded protein sequence. Algorithms developed to predict the effect of missense changes on protein structure and function are either unavailable or do not agree on the potential impact of this missense change. The variant allele was found at a frequency of 5.2e-05 in 251438 control chromosomes in the gnomAD database. This frequency is not significantly higher than estimated for disease-causing variants in PGAM2, allowing no conclusion about variant significance. To our knowledge, no occurrence of c.673A>C in individuals affected with PGAM2-related conditions and no experimental evidence demonstrating its impact on protein function have been reported. ClinVar contains an entry for this variant (Variation ID: 2069168). Based on the evidence outlined above, the variant was classified as uncertain significance.

Ambry Genetics
Classification: Uncertain significance for Inborn genetic diseases. Last evaluated: 2023-05-23. Review status: criteria provided, single submitter. Criteria: Ambry Variant Classification Scheme 2023. Collection method: clinical testing. Allele origin: germline.

Labcorp Genetics (formerly Invitae), Labcorp
Classification: Uncertain significance for Glycogen storage disease type X. Last evaluated: 2022-07-27. Review status: criteria provided, single submitter. Criteria: Invitae Variant Classification Sherloc (09022015). Collection method: clinical testing. Allele origin: germline.
Comment: This sequence change replaces lysine, which is basic and polar, with glutamine, which is neutral and polar, at codon 225 of the PGAM2 protein (p.Lys225Gln). This variant is present in population databases (rs764304891, gnomAD 0.03%). This variant has not been reported in the literature in individuals affected with PGAM2-related conditions. Algorithms developed to predict the effect of missense changes on protein structure and function are either unavailable or do not agree on the potential impact of this missense change (SIFT: "Deleterious"; PolyPhen-2: "Probably Damaging"; Align-GVGD: "Class C0"). In summary, the available evidence is currently insufficient to determine the role of this variant in disease. Therefore, it has been classified as a Variant of Uncertain Significance.